The following is an entry in ClinVar:

ClinVar aggregate classification (germline): Uncertain significance. Review status: criteria provided, multiple submitters, no conflicts (2 of 4 stars). 5 submissions from 5 submitters: Uncertain significance (3). 2 of the submissions do not count toward it. Last evaluated 2025-12-17.

Conditions:
Hereditary cancer-predisposing syndrome. Also called: Tumor predisposition; Hereditary neoplastic syndrome; Neoplastic Syndromes, Hereditary; Hereditary Cancer Syndrome. Identifiers: Orphanet 140162, MedGen C0027672, MeSH D009386, MONDO:0015356.
Bloom syndrome (BLM). Also called: Bloom-Torre-Machacek syndrome. Identifiers: Orphanet 125, MedGen C0005859, MONDO:0008876, OMIM 210900.

gnomAD v4.1: 3 of 1,614,122 alleles (0.00019%); highest among the groups gnomAD compares: Non-Finnish European, 0.00025%; no homozygotes.

Submissions (5):

Labcorp Genetics (formerly Invitae), Labcorp
Classification: Uncertain significance for Bloom syndrome. Last evaluated: 2025-12-17. Review status: criteria provided, single submitter. Criteria: Invitae Variant Classification Sherloc (09022015). Collection method: clinical testing. Allele origin: germline.
Comment: This sequence change replaces proline, which is neutral and non-polar, with alanine, which is neutral and non-polar, at codon 126 of the BLM protein (p.Pro126Ala). This variant is not present in population databases (gnomAD no frequency). This variant has not been reported in the literature in individuals affected with BLM-related conditions. ClinVar contains an entry for this variant (Variation ID: 133709). An algorithm developed to predict the effect of missense changes on protein structure and function (PolyPhen-2) suggests that this variant is likely to be tolerated. In summary, the available evidence is currently insufficient to determine the role of this variant in disease. Therefore, it has been classified as a Variant of Uncertain Significance.

Ambry Genetics
Classification: Uncertain significance for Hereditary cancer-predisposing syndrome. Last evaluated: 2025-12-01. Review status: criteria provided, single submitter. Criteria: Ambry Variant Classification Scheme 2023. Collection method: clinical testing. Allele origin: germline.
Comment: The p.P126A variant (also known as c.376C>G), located in coding exon 2 of the BLM gene, results from a C to G substitution at nucleotide position 376. The proline at codon 126 is replaced by alanine, an amino acid with highly similar properties. This amino acid position is not well conserved in available vertebrate species. In addition, this alteration is predicted to be tolerated by in silico analysis. Since supporting evidence is limited at this time, the clinical significance of this alteration remains unclear.

Quest Diagnostics Nichols Institute San Juan Capistrano
Classification: Uncertain significance. Last evaluated: 2025-01-22. Review status: criteria provided, single submitter. Criteria: Quest Diagnostics criteria. Collection method: clinical testing. Allele origin: unknown.
Comment: The BLM c.376C>G (p.Pro126Ala) variant has been identified in a cohort of healthy individuals under the age of 50 in the published literature (PMID: 24728327 (2014)). This variant has not been reported in large, multi-ethnic general populations (Genome Aggregation Database). Analysis of this variant using bioinformatics tools for the prediction of the effect of amino acid changes on protein structure and function yielded predictions that this variant is benign. Based on the available information, we are unable to determine the clinical significance of this variant.

Natera, Inc.
Classification: Uncertain significance for Bloom syndrome. Last evaluated: 2020-09-16. Review status: no assertion criteria provided. Collection method: clinical testing. Allele origin: germline. Not counted in ClinVar's aggregate classification.

ITMI
No classification provided. Condition: AllHighlyPenetrant. Last evaluated: 2013-09-19. Review status: no classification provided. Collection method: reference population. Allele origin: germline. Not counted in ClinVar's aggregate classification.
Comment: Please see associated publication for description of ethnicities

Literature cited by the submitters: PubMed 24728327 (cited by Quest Diagnostics Nichols Institute San Juan Capistrano and ITMI).

NM_000057.4(BLM):c.376C>G (p.Pro126Ala)

Gene: BLM (BLM RecQ like helicase; plus strand). Cytogenetic location: 15q26.1.
Variant type: single nucleotide variant.
Coding change: c.376C>G on transcript NM_000057.4 (MANE Select); coding-DNA position 376, C replaced by G.
Protein change: p.Pro126Ala; replaces proline 126 with alanine.
Molecular consequence: missense variant. On other transcripts: 5 prime UTR variant (1).
Genome position (GRCh38, 1-based): chr15:90,749,644, C>G. VCF-style: chr15-90749644-C-G. GRCh37 (hg19) VCF-style: chr15-91292874-C-G.
Other names: c.376C>G, p.Pro126Ala (NM_001287246.2, NM_001287247.2); c.-916C>G (NM_001287248.2); c.376C>G (NM_000057.2); short protein forms P126A.
Identifiers: ClinVar variation 133709 (VCV000133709.17), dbSNP rs587778106, ClinGen allele CA157418.
Genomic context (GRCh38, chr15:90,749,644, plus strand): 5'-TCATTATTGCCAGATTTCTTGCAGACTCCGAAGGAAGTTGTATGCACTACCCAAAACACA[C>G]CAACTGTAAAGAAATCCCGGGATACTGCTCTCAAGAAATTAGAATTTAGTTCTTCACCAG-3'
Protein context (NP_000048.1, residues 116-136): KEVVCTTQNT[Pro126Ala]TVKKSRDTAL